The following is an entry in ClinVar:

NM_003901.4(SGPL1):c.1063G>A (p.Gly355Ser)

Gene: SGPL1 (sphingosine-1-phosphate lyase 1; plus strand). Cytogenetic location: 10q22.1.
Variant type: single nucleotide variant.
Coding change: c.1063G>A on transcript NM_003901.4 (MANE Select); coding-DNA position 1063, G replaced by A.
Protein change: p.Gly355Ser; replaces glycine 355 with serine.
Molecular consequence: missense variant.
Genome position (GRCh38, 1-based): chr10:70,873,354, G>A. VCF-style: chr10-70873354-G-A. GRCh37 (hg19) VCF-style: chr10-72633111-G-A.
Other names: short protein forms G355S.
Identifiers: ClinVar variation 1996620 (VCV001996620.4), dbSNP rs773955865, ClinGen allele CA5541375.
Genomic context (GRCh38, chr10:70,873,354, plus strand): 5'-AAGGTCTGCCAGACAGAACTATACTCTCACTTTTCTTGTCTGCTACTTCTTCCACAGTAT[G>A]GCTATGCCCCAAAAGGCTCATCATTGGTGTTGTATAGTGACAAGAAGTACAGGAACTATC-3'
Protein context (NP_003892.2, residues 345-365): TSISADTHKY[Gly355Ser]YAPKGSSLVL

ClinVar aggregate classification (germline): Uncertain significance (1 of 4 stars; one submission).

Allele frequency attached by ClinVar (database versions not stated): gnomAD exomes below 0.00001; ExAC 0.00002.
gnomAD v4.1: 5 of 1,612,444 alleles (0.00031%); highest among the groups gnomAD compares: Non-Finnish European, 0.00042%; no homozygotes.

Submission:

Labcorp Genetics (formerly Invitae), Labcorp
Classification: Uncertain significance. Last evaluated: 2022-05-19. Review status: criteria provided, single submitter. Criteria: Invitae Variant Classification Sherloc (09022015). Collection method: clinical testing. Allele origin: germline.
Comment: This variant is present in population databases (rs773955865, gnomAD 0.003%). This sequence change replaces glycine, which is neutral and non-polar, with serine, which is neutral and polar, at codon 355 of the SGPL1 protein (p.Gly355Ser). This variant has not been reported in the literature in individuals affected with SGPL1-related conditions. In summary, the available evidence is currently insufficient to determine the role of this variant in disease. Therefore, it has been classified as a Variant of Uncertain Significance. Algorithms developed to predict the effect of sequence changes on RNA splicing suggest that this variant may create or strengthen a splice site. Algorithms developed to predict the effect of missense changes on protein structure and function (SIFT, PolyPhen-2, Align-GVGD) all suggest that this variant is likely to be disruptive.